The following is an entry in ClinVar:

NM_000214.3(JAG1):c.230T>A (p.Val77Glu)

Gene: JAG1 (jagged canonical Notch ligand 1; minus strand). Cytogenetic location: 20p12.2.
Variant type: single nucleotide variant.
Coding change: c.230T>A on transcript NM_000214.3 (MANE Select); coding-DNA position 230, T replaced by A.
Protein change: p.Val77Glu; replaces valine 77 with glutamic acid.
Molecular consequence: missense variant.
Genome position (GRCh38, 1-based): chr20:10,672,858, A>T on the plus strand (T>A on the coding strand, the complement: JAG1 is on the minus strand). VCF-style: chr20-10672858-A-T. GRCh37 (hg19) VCF-style: chr20-10653506-A-T.
Other names: short protein forms V77E.
Identifiers: ClinVar variation 3573427 (VCV003573427.2).

Conditions:
Arteriohepatic dysplasia. Also called: Alagille Syndrome. Identifiers: Orphanet 52, MedGen C0085280, MeSH D016738, MONDO:0007318.

Submission:

Gilbert/Spinner Lab, Children's Hospital of Philadelphia
No classification provided (evidence only). Condition: Alagille syndrome. Review status: no classification provided. Collection method: research. Allele origin: not applicable. Functional consequence: functionally_abnormal.
ClinVar note: "not provided" was previously submitted as the classification for the variant. However, the classification appeared to be based only on an observation of functional data so it was converted to no classification on 2025-07-30.